The following is an entry in ClinVar:

ClinVar aggregate classification (germline): Uncertain significance (1 of 4 stars; one submission).

Conditions:
Gorlin syndrome. Also called: Nevoid Basal Cell Carcinoma Syndrome; Basal cell nevus syndrome. Identifiers: Orphanet 377, MedGen C0004779, MONDO:0007187.

Submission:

Labcorp Genetics (formerly Invitae), Labcorp
Classification: Uncertain significance for Gorlin syndrome. Last evaluated: 2023-11-27. Review status: criteria provided, single submitter. Criteria: Invitae Variant Classification Sherloc (09022015). Collection method: clinical testing. Allele origin: germline.
Comment: This sequence change replaces glycine, which is neutral and non-polar, with arginine, which is basic and polar, at codon 585 of the PTCH2 protein (p.Gly585Arg). This variant is not present in population databases (gnomAD no frequency). This variant has not been reported in the literature in individuals affected with PTCH2-related conditions. ClinVar contains an entry for this variant (Variation ID: 2145469). Advanced modeling of protein sequence and biophysical properties (such as structural, functional, and spatial information, amino acid conservation, physicochemical variation, residue mobility, and thermodynamic stability) performed at Invitae indicates that this missense variant is not expected to disrupt PTCH2 protein function with a negative predictive value of 80%. In summary, the available evidence is currently insufficient to determine the role of this variant in disease. Therefore, it has been classified as a Variant of Uncertain Significance.

NM_003738.5(PTCH2):c.1753G>C (p.Gly585Arg)

Gene: PTCH2 (patched 2; minus strand). Cytogenetic location: 1p34.1.
Variant type: single nucleotide variant.
Coding change: c.1753G>C on transcript NM_003738.5 (MANE Select); coding-DNA position 1753, G replaced by C.
Protein change: p.Gly585Arg; replaces glycine 585 with arginine.
Molecular consequence: missense variant.
Genome position (GRCh38, 1-based): chr1:44,828,148, C>G on the plus strand (G>C on the coding strand, the complement: PTCH2 is on the minus strand). VCF-style: chr1-44828148-C-G. GRCh37 (hg19) VCF-style: chr1-45293820-C-G.
Other names: c.1753G>C, p.Gly585Arg (NM_001166292.2); short protein forms G585R.
Identifiers: ClinVar variation 2145469 (VCV002145469.4), dbSNP rs2521966233, ClinGen allele CA340099498.